The following is an entry in ClinVar:

NM_002025.4(AFF2):c.148C>A (p.Leu50Ile)

Gene: AFF2 (ALF transcription elongation factor 2; plus strand). Cytogenetic location: Xq28.
Variant type: single nucleotide variant.
Coding change: c.148C>A on transcript NM_002025.4 (MANE Select); coding-DNA position 148, C replaced by A.
Protein change: p.Leu50Ile; replaces leucine 50 with isoleucine.
Molecular consequence: missense variant.
Genome position (GRCh38, 1-based): chrX:148,652,099, C>A. VCF-style: chrX-148652099-C-A. GRCh37 (hg19) VCF-style: chrX-147733620-C-A.
Other names: c.148C>A, p.Leu50Ile (NM_001169122.2, NM_001169123.2, NM_001169124.2 and 1 more transcripts); short protein forms L50I.
Identifiers: ClinVar variation 1312930 (VCV001312930.2), dbSNP rs2054208339, ClinGen allele CA414508190.

ClinVar aggregate classification (germline): Uncertain significance (1 of 4 stars; one submission).

Allele frequency attached by ClinVar (database versions not stated): TOPMed 0.00001.

Submission:

GeneDx
Classification: Uncertain significance. Last evaluated: 2020-07-03. Review status: criteria provided, single submitter. Criteria: GeneDx Variant Classification Process June 2021. Collection method: clinical testing. Allele origin: germline. Affected: yes.
Comment: Not observed in large population cohorts (Lek et al., 2016); In silico analysis supports that this missense variant does not alter protein structure/function; Has not been previously published as pathogenic or benign to our knowledge